The following is an entry in ClinVar:

NM_001035.3(RYR2):c.9407G>A (p.Ser3136Asn)

Gene: RYR2 (ryanodine receptor 2; plus strand). Cytogenetic location: 1q43.
Variant type: single nucleotide variant.
Coding change: c.9407G>A on transcript NM_001035.3 (MANE Select); coding-DNA position 9407, G replaced by A.
Protein change: p.Ser3136Asn; replaces serine 3136 with asparagine.
Molecular consequence: missense variant.
Genome position (GRCh38, 1-based): chr1:237,702,017, G>A. VCF-style: chr1-237702017-G-A. GRCh37 (hg19) VCF-style: chr1-237865317-G-A.
Other names: c.9407G>A, p.Ser3136Asn (LRG_402t1); short protein forms S3136N.
Identifiers: ClinVar variation 190998 (VCV000190998.20), dbSNP rs748194372, ClinGen allele CA011190.

ClinVar aggregate classification (germline): Conflicting classifications of pathogenicity. Review status: criteria provided, conflicting classifications (1 of 4 stars). 5 submissions from 5 submitters: Uncertain significance (3); Likely benign (2). Last evaluated 2025-08-14.

Conditions:
Cardiovascular phenotype. Identifiers: MedGen CN230736.
Catecholaminergic polymorphic ventricular tachycardia (CVPT). Also called: Catecholamine-induced polymorphic ventricular tachycardia. Identifiers: Orphanet 3286, MedGen C5574922, MONDO:0017990.
Catecholaminergic polymorphic ventricular tachycardia 1. Also called: RYR2-Related Catecholaminergic Polymorphic Ventricular Tachycardia; VENTRICULAR TACHYCARDIA, STRESS-INDUCED POLYMORPHIC 1; VENTRICULAR TACHYCARDIA, CATECHOLAMINERGIC POLYMORPHIC, 1, WITH OR WITHOUT ATRIAL DYSFUNCTION AND/OR DILATED CARDIOMYOPATHY. Identifiers: Orphanet 3286, MedGen C1631597, MONDO:0011484, OMIM 604772.
Cardiomyopathy (CMYO). Also called: Cardiomyopathies. Identifiers: Orphanet 167848, MedGen C0878544, MONDO:0004994, HP:0001638. Inheritance: Various modes of inheritance.

Allele frequency attached by ClinVar (database versions not stated): gnomAD exomes 0.00001; ExAC 0.00002.
gnomAD v4.1: 11 of 1,608,866 alleles (0.00068%); highest among the groups gnomAD compares: Middle Eastern, 0.13%; no homozygotes.

Submissions (5):

Color Diagnostics, LLC DBA Color Health
Classification: Likely benign for Cardiomyopathy. Last evaluated: 2025-08-14. Review status: criteria provided, single submitter. Criteria: ACMG Guidelines, 2015. Collection method: clinical testing. Allele origin: germline.

Ambry Genetics
Classification: Likely benign for Cardiovascular phenotype. Last evaluated: 2025-04-28. Review status: criteria provided, single submitter. Criteria: Ambry Variant Classification Scheme 2023. Collection method: clinical testing. Allele origin: germline.

Labcorp Genetics (formerly Invitae), Labcorp
Classification: Uncertain significance for Catecholaminergic polymorphic ventricular tachycardia 1. Last evaluated: 2024-10-18. Review status: criteria provided, single submitter. Criteria: Invitae Variant Classification Sherloc (09022015). Collection method: clinical testing. Allele origin: germline.
Comment: This sequence change replaces serine, which is neutral and polar, with asparagine, which is neutral and polar, at codon 3136 of the RYR2 protein (p.Ser3136Asn). This variant is present in population databases (rs748194372, gnomAD 0.002%). This variant has not been reported in the literature in individuals affected with RYR2-related conditions. ClinVar contains an entry for this variant (Variation ID: 190998). Invitae Evidence Modeling of protein sequence and biophysical properties (such as structural, functional, and spatial information, amino acid conservation, physicochemical variation, residue mobility, and thermodynamic stability) indicates that this missense variant is not expected to disrupt RYR2 protein function with a negative predictive value of 95%. In summary, the available evidence is currently insufficient to determine the role of this variant in disease. Therefore, it has been classified as a Variant of Uncertain Significance.

All of Us Research Program, National Institutes of Health
Classification: Uncertain significance for Catecholaminergic polymorphic ventricular tachycardia. Last evaluated: 2024-07-10. Review status: criteria provided, single submitter. Criteria: ACMG Guidelines, 2015. Collection method: clinical testing. Allele origin: germline. Inheritance: Autosomal dominant inheritance. Observed: 1 variant allele, 1 heterozygote.
Comment: This missense variant replaces serine with asparagine at codon 3136 of the RYR2 protein. Computational prediction suggests that this variant may not impact protein structure and function (internally defined REVEL score threshold <= 0.5, PMID: 27666373). Splice site prediction tools suggest that this variant may not impact RNA splicing. To our knowledge, functional studies have not been performed for this variant. This variant has not been reported in individuals affected with cardiovascular disorders in the literature. This variant has been identified in 2/248596 chromosomes in the general population by the Genome Aggregation Database (gnomAD). The available evidence is insufficient to determine the role of this variant in disease conclusively. Therefore, this variant is classified as a Variant of Uncertain Significance.

This study involves interpretation of variants in research participants for the purpose of population health screening. Participant phenotype was not available at the time of variant classification. Additional details can be found in publication PMID: 35346344, PMCID: PMC8962531

Genomic Medicine Center of Excellence, King Faisal Specialist Hospital and Research Centre
Classification: Uncertain significance. Last evaluated: 2019-07-27. Review status: criteria provided, single submitter. Criteria: ACMG Guidelines, 2015. Collection method: research. Allele origin: germline. Affected: yes.
Comment: Updated local variant frequency is incompatible with the prior classification of this variant as likely pathogenic.

Literature cited by the submitters: PubMed 26112015 (cited by Ambry Genetics); PubMed 31130284 (cited by Ambry Genetics); PubMed 31589614 (cited by Ambry Genetics).